The following is an entry in ClinVar:

ClinVar aggregate classification (germline): Uncertain significance (1 of 4 stars; one submission).

gnomAD v4.1: 7 of 1,613,766 alleles (0.00043%); highest among the groups gnomAD compares: Non-Finnish European, 0.00059%; no homozygotes.

Submission:

Labcorp Genetics (formerly Invitae), Labcorp
Classification: Uncertain significance. Last evaluated: 2023-10-05. Review status: criteria provided, single submitter. Criteria: Invitae Variant Classification Sherloc (09022015). Collection method: clinical testing. Allele origin: germline.
Comment: This sequence change replaces threonine, which is neutral and polar, with alanine, which is neutral and non-polar, at codon 2784 of the PCNT protein (p.Thr2784Ala). The frequency data for this variant in the population databases is considered unreliable, as metrics indicate poor data quality at this position in the gnomAD database. This variant has not been reported in the literature in individuals affected with PCNT-related conditions. Algorithms developed to predict the effect of missense changes on protein structure and function output the following: SIFT: "Not Available"; PolyPhen-2: "Benign"; Align-GVGD: "Not Available". The alanine amino acid residue is found in multiple mammalian species, which suggests that this missense change does not adversely affect protein function. In summary, the available evidence is currently insufficient to determine the role of this variant in disease. Therefore, it has been classified as a Variant of Uncertain Significance.

NM_006031.6(PCNT):c.8350A>G (p.Thr2784Ala)

Gene: PCNT (pericentrin; plus strand). Cytogenetic location: 21q22.3.
Variant type: single nucleotide variant.
Coding change: c.8350A>G on transcript NM_006031.6 (MANE Select); coding-DNA position 8350, A replaced by G.
Protein change: p.Thr2784Ala; replaces threonine 2784 with alanine.
Molecular consequence: missense variant.
Genome position (GRCh38, 1-based): chr21:46,431,814, A>G. VCF-style: chr21-46431814-A-G. GRCh37 (hg19) VCF-style: chr21-47851728-A-G.
Other names: c.7996A>G, p.Thr2666Ala (NM_001315529.2); short protein forms T2666A, T2784A.
Identifiers: ClinVar variation 2977053 (VCV002977053.3), dbSNP rs1398797872, ClinGen allele CA410572999.
Genomic context (GRCh38, chr21:46,431,814, plus strand): 5'-GAGCGGCTCCTGACCGAGCAGCTGAGCCAGAGGACACAGGAGGCTTGCGTGCACCAGGAC[A>G]CACAGGCCCATCACGCTCTGCTGCAGAAGCTGAAGGAGGAGAAGTCCCGGGTGGTGGACT-3'
Protein context (NP_006022.3, residues 2774-2794): RTQEACVHQD[Thr2784Ala]QAHHALLQKL